The following is an entry in ClinVar:

NM_000043.6(FAS):c.38del (p.Thr13fs)

Gene: FAS (Fas cell surface death receptor; plus strand). Cytogenetic location: 10q23.31.
Variant type: Deletion.
Coding change: c.38del on transcript NM_000043.6 (MANE Select); coding-DNA position 38, one base deleted (C; older notation c.38delC).
Protein change: p.Thr13fs; shifts the reading frame from threonine 13.
Molecular consequence: frameshift variant. On other transcripts: non-coding transcript variant (7).
Genome position (GRCh38, 1-based): chr10:89,003,036, C deleted. VCF-style (leftmost placement, unchanged base first): chr10-89003035-AC-A. GRCh37 (hg19) VCF-style: chr10-90762792-AC-A.
Other names: c.38del, p.Thr13fs (NM_001320619.2, NM_152871.4, NM_152872.4); short protein forms T13fs.
Identifiers: ClinVar variation 851315 (VCV000851315.7), dbSNP rs1842954041, ClinGen allele CA916080417.
Genomic context (GRCh38, chr10:89,003,035, plus strand): 5'-CACGTTGCTTACTTCAGAAATCAATAAAATTCTCTTCATGCTTTTATTTTACAGGTTCTT[AC>A]GTCTGTTGCTAGATTATCGTCCAAAAGTGTTAATGCCCAAGTGACTGACATCAACTCCAA-3'

ClinVar aggregate classification (germline): Pathogenic (1 of 4 stars; one submission).

Conditions:
Autoimmune lymphoproliferative syndrome type 1. Also called: AUTOIMMUNE LYMPHOPROLIFERATIVE SYNDROME, TYPE I, AUTOSOMAL DOMINANT. Identifiers: Orphanet 3261, MedGen C2717884, MONDO:0011158, OMIM 601859.

Submission:

Labcorp Genetics (formerly Invitae), Labcorp
Classification: Pathogenic for Autoimmune lymphoproliferative syndrome. Last evaluated: 2022-02-24. Review status: criteria provided, single submitter. Criteria: Invitae Variant Classification Sherloc (09022015). Collection method: clinical testing. Allele origin: germline.
Comment: For these reasons, this variant has been classified as Pathogenic. ClinVar contains an entry for this variant (Variation ID: 851315). This variant has not been reported in the literature in individuals affected with FAS-related conditions. This variant is not present in population databases (gnomAD no frequency). This sequence change creates a premature translational stop signal (p.Thr13Serfs*15) in the FAS gene. It is expected to result in an absent or disrupted protein product. Loss-of-function variants in FAS are known to be pathogenic (PMID: 10875918, 22237435).

Literature cited by the submitters: PubMed 10875918; PubMed 22237435.